The following is an entry in ClinVar:

NM_177438.3(DICER1):c.4747C>G (p.Leu1583Val)

Gene: DICER1 (dicer 1, ribonuclease III; minus strand). Cytogenetic location: 14q32.13.
Variant type: single nucleotide variant.
Coding change: c.4747C>G on transcript NM_177438.3 (MANE Select); coding-DNA position 4747, C replaced by G.
Protein change: p.Leu1583Val; replaces leucine 1583 with valine.
Molecular consequence: missense variant. On other transcripts: non-coding transcript variant (6).
Genome position (GRCh38, 1-based): chr14:95,096,173, G>C on the plus strand (C>G on the coding strand, the complement: DICER1 is on the minus strand). VCF-style: chr14-95096173-G-C. GRCh37 (hg19) VCF-style: chr14-95562510-G-C.
Other names: c.4747C>G, p.Leu1583Val (NM_001195573.1, NM_001271282.3, NM_001291628.2 and 13 more transcripts); c.4465C>G, p.Leu1489Val (NM_001395686.1); c.4342C>G, p.Leu1448Val (NM_001395687.1, NM_001395688.1, NM_001395689.1 and 2 more transcripts); c.4180C>G, p.Leu1394Val (NM_001395691.1); c.3064C>G, p.Leu1022Val (NM_001395697.1); short protein forms L1022V, L1394V, L1448V, L1489V, L1583V.
Identifiers: ClinVar variation 1712560 (VCV001712560.2), dbSNP rs1595339800, ClinGen allele CA390867337.

ClinVar aggregate classification (germline): Uncertain significance (1 of 4 stars; one submission).

Submission:

GeneDx
Classification: Uncertain significance. Last evaluated: 2022-04-29. Review status: criteria provided, single submitter. Criteria: GeneDx Variant Classification Process June 2021. Collection method: clinical testing. Allele origin: germline. Affected: yes.
Comment: Not observed at significant frequency in large population cohorts (gnomAD); In silico analysis supports that this missense variant does not alter protein structure/function; Has not been previously published as pathogenic or benign to our knowledge